The following is an entry in ClinVar:

ClinVar aggregate classification (germline): Uncertain significance (1 of 4 stars; one submission).

Submission:

Labcorp Genetics (formerly Invitae), Labcorp
Classification: Uncertain significance. Last evaluated: 2025-02-17. Review status: criteria provided, single submitter. Criteria: Invitae Variant Classification Sherloc (09022015). Collection method: clinical testing. Allele origin: germline.
Comment: This sequence change falls in intron 6 of the BMP7 gene. It does not directly change the encoded amino acid sequence of the BMP7 protein. It affects a nucleotide within the consensus splice site. This variant is not present in population databases (gnomAD no frequency). This variant has not been reported in the literature in individuals affected with BMP7-related conditions. Variants that disrupt the consensus splice site are a relatively common cause of aberrant splicing (PMID: 17576681, 9536098). Algorithms developed to predict the effect of sequence changes on RNA splicing suggest that this variant is not likely to affect RNA splicing. In summary, the available evidence is currently insufficient to determine the role of this variant in disease. Therefore, it has been classified as a Variant of Uncertain Significance.

Literature cited by the submitters: PubMed 17576681; PubMed 9536098.

NM_001719.3(BMP7):c.1147-3C>T

Gene: BMP7 (bone morphogenetic protein 7; minus strand). Cytogenetic location: 20q13.31.
Variant type: single nucleotide variant.
Coding change: c.1147-3C>T on transcript NM_001719.3 (MANE Select); 3 bases into the intron before coding-DNA position 1147, C replaced by T.
Molecular consequence: intron variant.
Genome position (GRCh38, 1-based): chr20:57,171,111, G>A on the plus strand (C>T on the coding strand, the complement: BMP7 is on the minus strand). VCF-style: chr20-57171111-G-A. GRCh37 (hg19) VCF-style: chr20-55746167-G-A.
Identifiers: ClinVar variation 3650878 (VCV003650878.2).